The following is an entry in ClinVar:

ClinVar aggregate classification (germline): Uncertain significance. Review status: criteria provided, multiple submitters, no conflicts (2 of 4 stars). 2 submissions from 2 submitters: Uncertain significance (2). Last evaluated 2025-03-06.

Conditions:
Familial adenomatous polyposis 1 (FAP1). Also called: POLYPOSIS, ADENOMATOUS INTESTINAL; FAMILIAL ADENOMATOUS POLYPOSIS 1, ATTENUATED. Identifiers: MedGen C2713442, MONDO:0021056, OMIM 175100. Disease mechanism: loss of function.
Hereditary cancer-predisposing syndrome. Also called: Hereditary Cancer Syndrome; Tumor predisposition; Neoplastic Syndromes, Hereditary; Hereditary neoplastic syndrome. Identifiers: Orphanet 140162, MedGen C0027672, MeSH D009386, MONDO:0015356.

Submissions (2):

Ambry Genetics
Classification: Uncertain significance for Hereditary cancer-predisposing syndrome. Last evaluated: 2025-03-06. Review status: criteria provided, single submitter. Criteria: Ambry Variant Classification Scheme 2023. Collection method: clinical testing. Allele origin: germline.

Labcorp Genetics (formerly Invitae), Labcorp
Classification: Uncertain significance for Familial adenomatous polyposis 1. Last evaluated: 2019-12-23. Review status: criteria provided, single submitter. Criteria: Invitae Variant Classification Sherloc (09022015). Collection method: clinical testing. Allele origin: germline.
Comment: In summary, the available evidence is currently insufficient to determine the role of this variant in disease. Therefore, it has been classified as a Variant of Uncertain Significance. Algorithms developed to predict the effect of missense changes on protein structure and function are either unavailable or do not agree on the potential impact of this missense change (SIFT: "Deleterious"; PolyPhen-2: "Probably Damaging"; Align-GVGD: "Class C0"). This variant has not been reported in the literature in individuals with APC-related conditions. This variant is not present in population databases (ExAC no frequency). This sequence change replaces serine with glycine at codon 1970 of the APC protein (p.Ser1970Gly). The serine residue is highly conserved and there is a small physicochemical difference between serine and glycine.

NM_000038.6(APC):c.5908A>G (p.Ser1970Gly)

Gene: APC (APC regulator of Wnt signaling pathway; plus strand). Cytogenetic location: 5q22.2.
Variant type: single nucleotide variant.
Coding change: c.5908A>G on transcript NM_000038.6 (MANE Select); coding-DNA position 5908, A replaced by G.
Protein change: p.Ser1970Gly; replaces serine 1970 with glycine.
Molecular consequence: missense variant.
Genome position (GRCh38, 1-based): chr5:112,841,502, A>G. VCF-style: chr5-112841502-A-G. GRCh37 (hg19) VCF-style: chr5-112177199-A-G.
Other names: c.5908A>G, p.Ser1970Gly (NM_001127510.3, NM_001354895.2); c.5854A>G, p.Ser1952Gly (NM_001127511.3); c.5962A>G, p.Ser1988Gly (NM_001354896.2); c.5938A>G, p.Ser1980Gly (NM_001354897.2); c.5833A>G, p.Ser1945Gly (NM_001354898.2); c.5824A>G, p.Ser1942Gly (NM_001354899.2); c.5785A>G, p.Ser1929Gly (NM_001354900.2); c.5731A>G, p.Ser1911Gly (NM_001354901.2); and 5 more; short protein forms S1687G, S1810G, S1945G, S1988G, S1911G, S1980G, S1869G, S1879G.
Identifiers: ClinVar variation 864236 (VCV000864236.50), dbSNP rs1561603616, ClinGen allele CA16034257.